The following is an entry in ClinVar:

ClinVar aggregate classification (germline): Conflicting classifications of pathogenicity. Review status: criteria provided, conflicting classifications (1 of 4 stars). 7 submissions from 7 submitters: Uncertain significance (5); Likely benign (1). 1 of the submissions does not count toward it. Last evaluated 2025-10-31.

Conditions:
Wilson disease (WND). Also called: Wilson's disease. Identifiers: Orphanet 905, MedGen C0019202, MONDO:0010200, OMIM 277900. Disease mechanism: loss of function.

Allele frequency attached by ClinVar (database versions not stated): TOPMed 0.00002; gnomAD exomes 0.00004 and 0.00008; gnomAD 0.00009; ExAC 0.00012.
gnomAD v4.1: 72 of 1,613,590 alleles (0.0045%); highest among the groups gnomAD compares: Non-Finnish European, 0.0036%; no homozygotes.

Submissions (7):

Labcorp Genetics (formerly Invitae), Labcorp
Classification: Likely benign for Wilson disease. Last evaluated: 2025-10-31. Review status: criteria provided, single submitter. Criteria: Invitae Variant Classification Sherloc (09022015). Collection method: clinical testing. Allele origin: germline.

Color Diagnostics, LLC DBA Color Health
Classification: Uncertain significance for Wilson disease. Last evaluated: 2025-06-11. Review status: criteria provided, single submitter. Criteria: ACMG Guidelines, 2015. Collection method: clinical testing. Allele origin: germline.
Comment: This missense variant replaces methionine with valine at codon 204 of the ATP7B protein. Computational prediction suggests that this variant may not impact protein structure and function. To our knowledge, functional studies have not been reported for this variant. This variant has not been reported in individuals affected with ATP7B-related disorders in the literature. This variant has been identified in 30/280708 chromosomes in the general population by the Genome Aggregation Database (gnomAD). The available evidence is insufficient to determine the role of this variant in disease conclusively. Therefore, this variant is classified as a Variant of Uncertain Significance.

Blueprint Genetics
Classification: Uncertain significance. Last evaluated: 2023-10-27. Review status: criteria provided, single submitter. Criteria: ACMG Guidelines, 2015. Collection method: clinical testing. Allele origin: germline.

Genome-Nilou Lab
Classification: Uncertain significance for Wilson disease. Last evaluated: 2021-08-10. Review status: criteria provided, single submitter. Criteria: ACMG Guidelines, 2015. Collection method: clinical testing. Allele origin: germline. Affected: no.

Mayo Clinic Laboratories, Mayo Clinic
Classification: Uncertain significance. Last evaluated: 2020-06-17. Review status: criteria provided, single submitter. Criteria: ACMG Guidelines, 2015. Collection method: clinical testing. Allele origin: germline. Observed: 1 variant allele.

GeneDx
Classification: Uncertain significance. Last evaluated: 2019-09-11. Review status: criteria provided, single submitter. Criteria: GeneDx Variant Classification Process June 2021. Collection method: clinical testing. Allele origin: germline. Affected: yes.
Comment: In silico analysis, which includes protein predictors and evolutionary conservation, supports a deleterious effect; Has not been previously published as pathogenic or benign to our knowledge

Natera, Inc.
Classification: Uncertain significance for Wilson disease. Last evaluated: 2020-04-15. Review status: no assertion criteria provided. Collection method: clinical testing. Allele origin: germline. Not counted in ClinVar's aggregate classification.

NM_000053.4(ATP7B):c.610A>G (p.Met204Val)

Gene: ATP7B (ATPase copper transporting beta; minus strand). Cytogenetic location: 13q14.3.
Variant type: single nucleotide variant.
Coding change: c.610A>G on transcript NM_000053.4 (MANE Select); coding-DNA position 610, A replaced by G.
Protein change: p.Met204Val; replaces methionine 204 with valine.
Molecular consequence: missense variant.
Genome position (GRCh38, 1-based): chr13:51,974,610, T>C on the plus strand (A>G on the coding strand, the complement: ATP7B is on the minus strand). VCF-style: chr13-51974610-T-C. GRCh37 (hg19) VCF-style: chr13-52548746-T-C.
Other names: c.610A>G, p.Met204Val (NM_001005918.3, NM_001243182.2, NM_001330578.2 and 1 more transcripts); short protein forms M204V.
Identifiers: ClinVar variation 991755 (VCV000991755.22), dbSNP rs200605351, ClinGen allele CA6989528.
Genomic context (GRCh38, chr13:51,974,610, plus strand): 5'-TATCAATTGGTCCCAGGCTTAAGGGAGCCACTTTGCTCTTGATGGCAGCTTCAAATCCCA[T>C]GTCATTTACATGGTCCCTGAGGTCTTCGGGCTGAATGAGATAAGGCTGATAAGTGATGAC-3'
Protein context (NP_000044.2, residues 194-214): PEDLRDHVND[Met204Val]GFEAAIKSKV